The following is an entry in ClinVar:

ClinVar aggregate classification (germline): Benign. Review status: criteria provided, multiple submitters, no conflicts (2 of 4 stars). 2 submissions from 2 submitters: Benign (2). Last evaluated 2016-03-29.

Allele frequency attached by ClinVar (database versions not stated): gnomAD exomes 0.09447 and 0.09945; ExAC 0.10548; 1000 Genomes Project 0.15415; 1000 Genomes Project 30x 0.16193; gnomAD 0.17973; TOPMed 0.19311; ESP Exome Variant Server 0.19937.
gnomAD v4.1: 165,727 of 1,613,058 alleles (10%); highest among the groups gnomAD compares: African/African-American, 42%; 13,016 homozygotes.

Submissions (2):

Laboratory for Molecular Medicine, Mass General Brigham Personalized Medicine
Classification: Benign. Last evaluated: 2016-03-29. Review status: criteria provided, single submitter. Criteria: LMM Criteria. Collection method: clinical testing. Allele origin: germline.
Comment: Variant identified in a genome or exome case(s) and assessed due to predicted null impact of the variant or pathogenic assertions in the literature or databases. Disclaimer: This variant has not undergone full assessment. The following are preliminary notes: Frequency

Breakthrough Genomics
Classification: Benign. Review status: criteria provided, single submitter. Criteria: ACMG Guidelines, 2015. Collection method: not provided. Allele origin: germline. Inheritance: Unknown mechanism. Affected: yes.

NM_052934.4(SLC26A9):c.*211A>G

Gene: SLC26A9 (solute carrier family 26 member 9; minus strand). Cytogenetic location: 1q32.1.
Variant type: single nucleotide variant.
Coding change: c.*211A>G on transcript NM_052934.4 (MANE Select); 211 bases downstream of the stop codon, A replaced by G.
Molecular consequence: 3 prime UTR variant. On other transcripts: missense variant (1).
Genome position (GRCh38, 1-based): chr1:205,915,146, T>C on the plus strand (A>G on the coding strand, the complement: SLC26A9 is on the minus strand). VCF-style: chr1-205915146-T-C. GRCh37 (hg19) VCF-style: chr1-205884274-T-C.
Other names: c.2410A>G, p.Arg804Gly (NM_134325.3); short protein forms R804G.
Identifiers: ClinVar variation 403451 (VCV000403451.5), dbSNP rs6669481, ClinGen allele CA1358134.